The following is an entry in ClinVar:

ClinVar aggregate classification (germline): Uncertain significance (1 of 4 stars; one submission).

Conditions:
Leigh syndrome (NULS). Also called: Leigh's necrotizing encephalopathy; Leigh's disease; Leigh Syndrome (mtDNA deletion); Leigh Disease; Subacute necrotizing encephalopathy; Necrotizing encephalopathy infantile subacute of Leigh. Identifiers: Orphanet 506, MedGen C2931891, MONDO:0009723, OMIM 256000.

Submission:

Wong Mito Lab, Molecular and Human Genetics, Baylor College of Medicine
Classification: Uncertain significance for Leigh syndrome. Last evaluated: 2019-10-17. Review status: criteria provided, single submitter. Criteria: Modified ACMG Guidelines (Unpublished). Collection method: clinical testing. Allele origin: germline.
Comment: The NC_012920.1:m.10269C>A (YP_003024033.1:p.Leu71Ile) variant in MTND3 gene is interpretated to be a Uncertain Significance variant based on the modified ACMG guidelines (unpublished). This variant meets the following evidence codes: PP7, BS4

NC_012920.1(MT-ND3):m.10269C>A

Gene: MT-ND3 (mitochondrially encoded NADH dehydrogenase 3; plus strand).
Variant type: single nucleotide variant.
Genome position: chrM-10269-C-A.
Identifiers: ClinVar variation 693276 (VCV000693276.1), dbSNP rs1603222748, ClinGen allele CA414804767.